The following is an entry in ClinVar:

NM_000264.5(PTCH1):c.1687G>A (p.Ala563Thr)

Gene: PTCH1 (patched 1; minus strand). Cytogenetic location: 9q22.32.
Variant type: single nucleotide variant.
Coding change: c.1687G>A on transcript NM_000264.5 (MANE Select); coding-DNA position 1687, G replaced by A.
Protein change: p.Ala563Thr; replaces alanine 563 with threonine.
Molecular consequence: missense variant. On other transcripts: non-coding transcript variant (1).
Genome position (GRCh38, 1-based): chr9:95,476,075, C>T on the plus strand (G>A on the coding strand, the complement: PTCH1 is on the minus strand). VCF-style: chr9-95476075-C-T. GRCh37 (hg19) VCF-style: chr9-98238357-C-T.
Other names: c.1489G>A, p.Ala497Thr (NM_001083602.3); c.1684G>A, p.Ala562Thr (NM_001083603.3); c.1234G>A, p.Ala412Thr (NM_001083604.3, NM_001083605.3, NM_001083606.3 and 1 more transcripts); c.1531G>A, p.Ala511Thr (NM_001354918.2); short protein forms A497T, A511T, A412T, A563T, A562T.
Identifiers: ClinVar variation 845806 (VCV000845806.10), dbSNP rs146616780, ClinGen allele CA374117953.

ClinVar aggregate classification (germline): Uncertain significance. Review status: criteria provided, multiple submitters, no conflicts (2 of 4 stars). 2 submissions from 2 submitters: Uncertain significance (2). Last evaluated 2024-10-19.

Conditions:
Gorlin syndrome. Also called: Nevoid Basal Cell Carcinoma Syndrome; Basal cell nevus syndrome. Identifiers: Orphanet 377, MedGen C0004779, MONDO:0007187.
Hereditary cancer-predisposing syndrome. Also called: Neoplastic Syndromes, Hereditary; Hereditary neoplastic syndrome; Tumor predisposition; Hereditary Cancer Syndrome. Identifiers: Orphanet 140162, MedGen C0027672, MeSH D009386, MONDO:0015356.

gnomAD v4.1: 3 of 1,614,044 alleles (0.00019%); highest among the groups gnomAD compares: Non-Finnish European, 0.00017%; no homozygotes.

Submissions (2):

Ambry Genetics
Classification: Uncertain significance for Hereditary cancer-predisposing syndrome. Last evaluated: 2024-10-19. Review status: criteria provided, single submitter. Criteria: Ambry Variant Classification Scheme 2023. Collection method: clinical testing. Allele origin: germline.
Comment: The p.A563T variant (also known as c.1687G>A), located in coding exon 12 of the PTCH1 gene, results from a G to A substitution at nucleotide position 1687. The alanine at codon 563 is replaced by threonine, an amino acid with similar properties. This amino acid position is highly conserved in available vertebrate species. In addition, this alteration is predicted to be deleterious by in silico analysis. Since supporting evidence is limited at this time, the clinical significance of this alteration remains unclear.

Labcorp Genetics (formerly Invitae), Labcorp
Classification: Uncertain significance for Gorlin syndrome. Last evaluated: 2022-07-15. Review status: criteria provided, single submitter. Criteria: Invitae Variant Classification Sherloc (09022015). Collection method: clinical testing. Allele origin: germline.
Comment: This sequence change replaces alanine, which is neutral and non-polar, with threonine, which is neutral and polar, at codon 563 of the PTCH1 protein (p.Ala563Thr). This variant is not present in population databases (gnomAD no frequency). This variant has not been reported in the literature in individuals affected with PTCH1-related conditions. ClinVar contains an entry for this variant (Variation ID: 845806). Algorithms developed to predict the effect of missense changes on protein structure and function are either unavailable or do not agree on the potential impact of this missense change (SIFT: "Tolerated"; PolyPhen-2: "Possibly Damaging"; Align-GVGD: "Class C0"). In summary, the available evidence is currently insufficient to determine the role of this variant in disease. Therefore, it has been classified as a Variant of Uncertain Significance.